The following is an entry in ClinVar:

ClinVar aggregate classification (germline): Likely pathogenic (1 of 4 stars; one submission).

Conditions:
Lysinuric protein intolerance (LPI). Identifiers: Orphanet 470, MedGen C0268647, MONDO:0009109, OMIM 222700.

Submission:

Natera, Inc.
Classification: Likely pathogenic for Lysinuric protein intolerance. Last evaluated: 2024-05-29. Review status: criteria provided, single submitter. Criteria: Natera Variant Classification Schema (03/2026). Collection method: clinical testing. Allele origin: germline.
Comment: The c.461del variant in SLC7A7 is a frameshift variant predicted to shift the reading frame beginning at codon 154 and leads to a stop codon 16 codons downstream. This variant is expected to result in nonsense mediated decay, truncation, or a dysfunctional protein product. This variant is rare in the general population with a frequency below the threshold expected for the associated phenotype(s). Given the available evidence, this variant is classified as Likely Pathogenic.

NM_003982.4(SLC7A7):c.461del (p.Pro154fs)

Gene: SLC7A7 (solute carrier family 7 member 7; minus strand). Cytogenetic location: 14q11.2.
Variant type: Deletion.
Coding change: c.461del on transcript NM_003982.4 (MANE Select); coding-DNA position 461, one base deleted (C; older notation c.461delC).
Protein change: p.Pro154fs; shifts the reading frame from proline 154.
Molecular consequence: frameshift variant.
Genome position (GRCh38, 1-based): chr14:22,812,938, G deleted on the plus strand (C on the coding strand, the reverse complement: SLC7A7 is on the minus strand); the first of 4 consecutive G bases (chr14:22,812,938-22,812,941); deleting any one gives the same sequence. VCF-style (leftmost placement, unchanged base first): chr14-22812937-AG-A. GRCh37 (hg19) VCF-style: chr14-23282146-AG-A.
Other names: c.461del, p.Pro154fs (NM_001126105.3, NM_001126106.4); c.458delC, p.Pro154Leufs (NM_001126106.2); short protein forms P154fs.
Identifiers: ClinVar variation 4814592 (VCV004814592.1).